The following is an entry in ClinVar:

ClinVar aggregate classification (germline): Uncertain significance. Review status: criteria provided, multiple submitters, no conflicts (2 of 4 stars). 2 submissions from 2 submitters: Uncertain significance (2). Last evaluated 2023-09-29.

Conditions:
Inborn genetic diseases. Identifiers: MedGen C0950123, MeSH D030342.

gnomAD v4.1: 127 of 1,613,962 alleles (0.0079%); highest among the groups gnomAD compares: Non-Finnish European, 0.0092%; no homozygotes.

Submissions (2):

Ambry Genetics
Classification: Uncertain significance for Inborn genetic diseases. Last evaluated: 2023-09-29. Review status: criteria provided, single submitter. Criteria: Ambry Variant Classification Scheme 2023. Collection method: clinical testing. Allele origin: germline.

Labcorp Genetics (formerly Invitae), Labcorp
Classification: Uncertain significance. Last evaluated: 2022-09-13. Review status: criteria provided, single submitter. Criteria: Invitae Variant Classification Sherloc (09022015). Collection method: clinical testing. Allele origin: germline.
Comment: This sequence change replaces glycine, which is neutral and non-polar, with tryptophan, which is neutral and slightly polar, at codon 161 of the CRLF1 protein (p.Gly161Trp). This variant is present in population databases (rs141162071, gnomAD 0.03%). This variant has not been reported in the literature in individuals affected with CRLF1-related conditions. Algorithms developed to predict the effect of missense changes on protein structure and function (SIFT, PolyPhen-2, Align-GVGD) all suggest that this variant is likely to be disruptive. In summary, the available evidence is currently insufficient to determine the role of this variant in disease. Therefore, it has been classified as a Variant of Uncertain Significance.

NM_004750.5(CRLF1):c.481G>T (p.Gly161Trp)

Gene: CRLF1 (cytokine receptor like factor 1; minus strand). Cytogenetic location: 19p13.11.
Variant type: single nucleotide variant.
Coding change: c.481G>T on transcript NM_004750.5 (MANE Select); coding-DNA position 481, G replaced by T.
Protein change: p.Gly161Trp; replaces glycine 161 with tryptophan.
Molecular consequence: missense variant.
Genome position (GRCh38, 1-based): chr19:18,598,818, C>A on the plus strand (G>T on the coding strand, the complement: CRLF1 is on the minus strand). VCF-style: chr19-18598818-C-A. GRCh37 (hg19) VCF-style: chr19-18709628-C-A.
Other names: c.481G>T (NM_004750.4); short protein forms G161W.
Identifiers: ClinVar variation 2054876 (VCV002054876.4), dbSNP rs141162071, ClinGen allele CA9314231.